The following is an entry in ClinVar:

NM_000550.3(TYRP1):c.1037C>G (p.Pro346Arg)

Genes: LURAP1L-AS1 (LURAP1L antisense RNA 1; minus strand), TYRP1 (tyrosinase related protein 1; plus strand). Cytogenetic location: 9p23.
Variant type: single nucleotide variant.
Coding change: c.1037C>G on transcript NM_000550.3 (MANE Select); coding-DNA position 1037, C replaced by G.
Protein change: p.Pro346Arg; replaces proline 346 with arginine.
Molecular consequence: missense variant.
Genome position (GRCh38, 1-based): chr9:12,702,394, C>G. VCF-style: chr9-12702394-C-G. GRCh37 (hg19) VCF-style: chr9-12702394-C-G.
Other names: short protein forms P346R.
Identifiers: ClinVar variation 1215523 (VCV001215523.10), dbSNP rs377679582, ClinGen allele CA4985410.

ClinVar aggregate classification (germline): Conflicting classifications of pathogenicity. Review status: criteria provided, conflicting classifications (1 of 4 stars). 4 submissions from 4 submitters: Likely pathogenic (1); Uncertain significance (3). Last evaluated 2026-04-21.

Conditions:
Oculocutaneous albinism type 3 (OCA3). Also called: ALBINISM III; Rufous OCA; Rufous albinism; RUFOUS OCULOCUTANEOUS ALBINISM; XANTHISM; Albinism, oculocutaneous, type III. Identifiers: Orphanet 79433, MedGen C0342683, MONDO:0008747, OMIM 203290.
TYRP1-related disorder. Also called: TYRP1-related condition.

Allele frequency attached by ClinVar (database versions not stated): ExAC 0.00007; gnomAD exomes 0.00013 and 0.00005; ESP Exome Variant Server 0.00015; gnomAD 0.00004 and 0.00005; TOPMed 0.00004.

Submissions (4):

PreventionGenetics, part of Exact Sciences
Classification: Likely pathogenic for TYRP1-related condition. Last evaluated: 2026-04-21. Review status: criteria provided, single submitter. Criteria: ACMG Guidelines, 2015. Collection method: clinical testing. Allele origin: germline.
Comment: The TYRP1 c.1037C>G variant is predicted to result in the amino acid substitution p.Pro346Arg. This variant has been reported in the heterozygous state along with a heterozygous variant in the OCA2 gene, suggestive of digenic inheritance (Norman et al. 2017. PubMed ID: 28667292). At PreventionGenetics, this variant has been confirmed in trans to a pathogenic loss-of-function TYRP1 variant in at least two unrelated individuals undergoing testing for oculocutaneous albinism (internal data). This variant is present in 0.011% of alleles in individuals of European (Non-Finnish) descent in gnomAD. Given the evidence, we interpret this variant as likely pathogenic.

Blueprint Genetics
Classification: Uncertain significance. Last evaluated: 2024-08-13. Review status: criteria provided, single submitter. Criteria: ACMG Guidelines, 2015. Collection method: clinical testing. Allele origin: germline.

Labcorp Genetics (formerly Invitae), Labcorp
Classification: Uncertain significance. Last evaluated: 2022-10-17. Review status: criteria provided, single submitter. Criteria: Invitae Variant Classification Sherloc (09022015). Collection method: clinical testing. Allele origin: germline.
Comment: This sequence change replaces proline, which is neutral and non-polar, with arginine, which is basic and polar, at codon 346 of the TYRP1 protein (p.Pro346Arg). This variant is present in population databases (rs377679582, gnomAD 0.01%). This variant has not been reported in the literature in individuals affected with TYRP1-related conditions. ClinVar contains an entry for this variant (Variation ID: 1215523). Advanced modeling of protein sequence and biophysical properties (such as structural, functional, and spatial information, amino acid conservation, physicochemical variation, residue mobility, and thermodynamic stability) performed at Invitae indicates that this missense variant is expected to disrupt TYRP1 protein function. In summary, the available evidence is currently insufficient to determine the role of this variant in disease. Therefore, it has been classified as a Variant of Uncertain Significance.

GeneDx
Classification: Uncertain significance. Last evaluated: 2020-03-12. Review status: criteria provided, single submitter. Criteria: GeneDx Variant Classification Process June 2021. Collection method: clinical testing. Allele origin: germline. Affected: yes.
Comment: In silico analysis supports that this missense variant has a deleterious effect on protein structure/function; Observed as a single heterozygous variant with no second TYRP1 variant identified in a patient with hypomorphic albinism in the published literature; this proband also had a single heterozygous variant in the OCA2 gene (Norman et al., 2017); This variant is associated with the following publications: (PMID: 28667292)